The following is an entry in ClinVar:

NM_003743.5(NCOA1):c.461_462delinsTC (p.Thr154Ile)

Gene: NCOA1 (nuclear receptor coactivator 1; plus strand). Cytogenetic location: 2p23.3.
Variant type: Indel.
Coding change: c.461_462delinsTC on transcript NM_003743.5 (MANE Select); coding-DNA positions 461 to 462, CG replaced by TC.
Protein change: p.Thr154Ile; replaces threonine 154 with isoleucine.
Molecular consequence: missense variant.
Genome position (GRCh38, 1-based): chr2:24,683,057-24,683,058, CG replaced by TC. VCF-style: chr2-24683057-CG-TC. GRCh37 (hg19) VCF-style: chr2-24905926-CG-TC.
Other names: c.461_462delinsTC, p.Thr154Ile (NM_001362950.1, NM_001362952.1, NM_001362954.1 and 3 more transcripts); short protein forms T154I.
Identifiers: ClinVar variation 3348306 (VCV003348306.1).

ClinVar aggregate classification (germline): Uncertain significance (0 of 4 stars; one submission).

Conditions:
NCOA1-related disorder. Also called: NCOA1-related condition.

Submission:

PreventionGenetics, part of Exact Sciences
Classification: Uncertain significance for NCOA1-related condition. Last evaluated: 2023-12-26. Review status: no assertion criteria provided. Collection method: clinical testing. Allele origin: germline.
Comment: The NCOA1 c.461_462delinsTC variant is predicted to result in an in-frame deletion and insertion. To our knowledge, this variant has not been reported in the literature or in a large population database, indicating this variant is rare. At this time, the clinical significance of this variant is uncertain due to the absence of conclusive functional and genetic evidence.